The following is an entry in ClinVar:

NM_004260.4(RECQL4):c.332C>T (p.Ala111Val)

Gene: RECQL4 (RecQ like helicase 4; minus strand). Cytogenetic location: 8q24.3.
Variant type: single nucleotide variant.
Coding change: c.332C>T on transcript NM_004260.4 (MANE Select); coding-DNA position 332, C replaced by T.
Protein change: p.Ala111Val; replaces alanine 111 with valine.
Molecular consequence: missense variant. On other transcripts: 5 prime UTR variant (17), non-coding transcript variant (3).
Genome position (GRCh38, 1-based): chr8:144,517,072, G>A on the plus strand (C>T on the coding strand, the complement: RECQL4 is on the minus strand). VCF-style: chr8-144517072-G-A. GRCh37 (hg19) VCF-style: chr8-145742456-G-A.
Other names: c.-699C>T (NM_001413032.1); c.332C>T, p.Ala111Val (NM_001413033.1, NM_001413036.1, NM_001413039.1 and 5 more transcripts); c.-644C>T (NM_001413034.1); c.-637C>T (NM_001413035.1, NM_001413024.1); c.-740C>T (NM_001413037.1, NM_001413038.1, NM_001413040.1 and 3 more transcripts); c.-802C>T (NM_001413041.1, NM_001413027.1, NM_001413030.1 and 1 more transcripts); c.-1009C>T (NM_001413043.1); c.-389C>T (NM_001413021.1); and 2 more; short protein forms A111V, A68V.
Identifiers: ClinVar variation 4844357 (VCV004844357.1).

ClinVar aggregate classification (germline): Uncertain significance (1 of 4 stars; one submission).

Conditions:
Inborn genetic diseases. Identifiers: MedGen C0950123, MeSH D030342.

gnomAD v4.1: 1 of 1,612,050 alleles (0.000062%); highest among the groups gnomAD compares: South Asian, 0.0011%; no homozygotes.

Submission:

Ambry Genetics
Classification: Uncertain significance for Inborn genetic diseases. Last evaluated: 2026-02-16. Review status: criteria provided, single submitter. Criteria: Ambry Variant Classification Scheme 2023. Collection method: clinical testing. Allele origin: germline.
Comment: The p.A111V variant (also known as c.332C>T), located in coding exon 4 of the RECQL4 gene, results from a C to T substitution at nucleotide position 332. The alanine at codon 111 is replaced by valine, an amino acid with similar properties. This amino acid position is conserved. In addition, the in silico prediction for this alteration is inconclusive. Based on the available evidence, the clinical significance of this variant remains unclear.